The following is an entry in ClinVar:

NM_001005498.4(RHBDF2):c.*551G>C

Gene: RHBDF2 (rhomboid 5 homolog 2; minus strand). Cytogenetic location: 17q25.1.
Variant type: single nucleotide variant.
Coding change: c.*551G>C on transcript NM_001005498.4 (MANE Select); 551 bases downstream of the stop codon, G replaced by C.
Molecular consequence: 3 prime UTR variant. On other transcripts: non-coding transcript variant (3).
Genome position (GRCh38, 1-based): chr17:76,471,082, C>G on the plus strand (G>C on the coding strand, the complement: RHBDF2 is on the minus strand). VCF-style: chr17-76471082-C-G. GRCh37 (hg19) VCF-style: chr17-74467164-C-G.
Other names: c.*551G>C (NM_001376228.1, NM_001376229.1, NM_001376230.1 and 1 more transcripts).
Identifiers: ClinVar variation 325405 (VCV000325405.6), dbSNP rs2289801, ClinGen allele CA10650246.
Genomic context (GRCh38, chr17:76,471,082, plus strand): 5'-AGCAGGCCCTGGGGTGGCTCCGCCCAGTGTCGTTCTACCTGAGGTCTACTTGTGTCTCCC[C>G]CCTTGTTCTCTGCCCCCAGACCATGGCCAAAGCCTTTCCCACAATGTCCCATCTGAGAGC-3'

ClinVar aggregate classification (germline): Benign. Review status: criteria provided, multiple submitters, no conflicts (2 of 4 stars). 2 submissions from 2 submitters: Benign (2). Last evaluated 2018-01-13.

Conditions:
Palmoplantar keratoderma-esophageal carcinoma syndrome (TOC). Also called: KERATOSIS PALMARIS ET PLANTARIS WITH ESOPHAGEAL CANCER; PALMOPLANTAR KERATODERMA WITH ESOPHAGEAL CANCER; Tylosis with Esophageal Cancer. Identifiers: Orphanet 2198, MedGen C1835664, MONDO:0007856, OMIM 148500.

Allele frequency attached by ClinVar (database versions not stated): 1000 Genomes Project 0.03315; 1000 Genomes Project 30x 0.03467.
gnomAD v4.1: 4,262 of 156,848 alleles (2.7%); highest among the groups gnomAD compares: African/African-American, 9.4%; 196 homozygotes.

Submissions (2):

Illumina Laboratory Services, Illumina
Classification: Benign for Palmoplantar keratoderma-esophageal carcinoma syndrome. Last evaluated: 2018-01-13. Review status: criteria provided, single submitter. Criteria: ICSL Variant Classification Criteria 13 December 2019. Collection method: clinical testing. Allele origin: germline.
Comment: This variant was observed in the ICSL laboratory as part of a predisposition screen in an ostensibly healthy population. It had not been previously curated by ICSL or reported in the Human Gene Mutation Database (HGMD: prior to June 1st, 2018), and was therefore a candidate for classification through an automated scoring system. Utilizing variant allele frequency, disease prevalence and penetrance estimates, and inheritance mode, an automated score was calculated to assess if this variant is too frequent to cause the disease. Based on the score and internal cut-off values, a variant classified as benign is not then subjected to further curation. The score for this variant resulted in a classification of benign for this disease.

Breakthrough Genomics
Classification: Benign. Review status: criteria provided, single submitter. Criteria: ACMG Guidelines, 2015. Collection method: not provided. Allele origin: germline. Inheritance: Autosomal dominant inheritance. Affected: yes.